The following is an entry in ClinVar:

NM_001243133.2(NLRP3):c.76C>T (p.His26Tyr)

Gene: NLRP3 (NLR family pyrin domain containing 3; plus strand). Cytogenetic location: 1q44.
Variant type: single nucleotide variant.
Coding change: c.76C>T on transcript NM_001243133.2 (MANE Select); coding-DNA position 76, C replaced by T.
Protein change: p.His26Tyr; replaces histidine 26 with tyrosine.
Molecular consequence: missense variant.
Genome position (GRCh38, 1-based): chr1:247,418,876, C>T. VCF-style: chr1-247418876-C-T. GRCh37 (hg19) VCF-style: chr1-247582178-C-T.
Other names: c.76C>T, p.His26Tyr (NM_001079821.3, NM_001127461.3, NM_001127462.3 and 1 more transcripts); c.82C>T, p.His28Tyr (NM_004895.5); short protein forms H28Y, H26Y.
Identifiers: ClinVar variation 453147 (VCV000453147.3), dbSNP rs763551829, ClinGen allele CA1494742.
Genomic context (GRCh38, chr1:247,418,876, plus strand): 5'-TGCAAGCTGGCCAGGTACCTGGAGGACCTGGAGGATGTGGACTTGAAGAAATTTAAGATG[C>T]ACTTAGAGGACTATCCTCCCCAGAAGGGCTGCATCCCCCTCCCGAGGGGTCAGACAGAGA-3'
Protein context (NP_001230062.1, residues 16-36): EDVDLKKFKM[His26Tyr]LEDYPPQKGC

ClinVar aggregate classification (germline): Uncertain significance. Review status: criteria provided, multiple submitters, no conflicts (2 of 4 stars). 2 submissions from 2 submitters: Uncertain significance (2). Last evaluated 2019-01-23.

Allele frequency attached by ClinVar (database versions not stated): gnomAD exomes below 0.00001; ExAC 0.00001.
gnomAD v4.1: 2 of 1,614,068 alleles (0.00012%); highest among the groups gnomAD compares: Non-Finnish European, 0.00017%; no homozygotes.

Submissions (2):

Blueprint Genetics
Classification: Uncertain significance. Last evaluated: 2019-01-23. Review status: criteria provided, single submitter. Criteria: ACMG Guidelines, 2015. Collection method: clinical testing. Allele origin: germline.

GeneDx
Classification: Uncertain significance. Last evaluated: 2017-11-06. Review status: criteria provided, single submitter. Criteria: GeneDx Variant Classification (06012015). Collection method: clinical testing. Allele origin: germline. Affected: yes.
Comment: The H28Y variant has not been published as a pathogenic variant, nor has it been reported as a benign variant to our knowledge. The variant is not observed at a significant frequency in large population cohorts (Lek et al., 2016). H28Y is a non-conservative amino acid substitution, which is likely to impact secondary protein structure as these residues differ in polarity, charge, size and/or other properties. However, this substitution occurs at a position that is not conserved, and in silico analysis predicts this variant likely does not alter the protein structure/function. In summary, based on the currently available information, it is unclear whether this variant is a pathogenic variant or a rare benign variant.